The following is an entry in ClinVar:

ClinVar aggregate classification (germline): Likely benign. Review status: reviewed by expert panel (3 of 4 stars). 2 submissions from 2 submitters: Likely benign (1). 1 of the submissions does not count toward it. Last evaluated 2024-09-10.

Conditions:
Hereditary thrombocytopenia and hematological cancer predisposition syndrome associated with RUNX1. Also called: Familial Platelet Disorder with Propensity to Acute Myelogenous Leukemia; Familial thrombocytopenia with propensity to acute myelogenous leukemia; PLATELET DISORDER, ASPIRIN-LIKE; RUNX1 Familial Platelet Disorder with Associated Myeloid Malignancies. Identifiers: Orphanet 71290, MedGen C1832388, MeSH C563324, MONDO:0100083, OMIM 601399.
Hereditary thrombocytopenia and hematologic cancer predisposition syndrome. Identifiers: Orphanet 71290, MedGen CN281654, MONDO:0011071.

Submissions (2):

ClinGen Myeloid Malignancy Variant Curation Expert Panel
Classification: Likely benign for Hereditary thrombocytopenia and hematologic cancer predisposition syndrome. Last evaluated: 2024-09-10. Review status: reviewed by expert panel. Criteria: ClinGen MyeloMalig ACMG Specifications v2. Collection method: curation. Allele origin: germline. Inheritance: Autosomal dominant inheritance.
Comment: NM_001754.5(RUNX1):c.1167G>A (p.Ser389=) is a synonymous variant which has a SpliceAI score ≤ 0.20 (0.0) (BP4). This variant has a SpliceAI score ≤ 0.20 (0.0) and evolutionary conservation algorithms predict the site as not being conserved (PhyloP score ≤ 2.0 (0.37)) (BP7). This variant is completely absent from all population databases with at least 20x coverage for RUNX1 (PM2_Supporting). In summary, this variant meets criteria to be classified as likely benign. ACMG/AMP criteria applied, as specified by the Myeloid Malignancy Variant Curation Expert Panel for RUNX1: BP4, BP7, PM2_supporting.

Labcorp Genetics (formerly Invitae), Labcorp
Classification: Likely benign for Hereditary thrombocytopenia and hematological cancer predisposition syndrome associated with RUNX1. Last evaluated: 2022-09-20. Review status: criteria provided, single submitter. Criteria: Invitae Variant Classification Sherloc (09022015). Collection method: clinical testing. Allele origin: germline. Not counted in ClinVar's aggregate classification.

NM_001754.5(RUNX1):c.1167G>A (p.Ser389=)

Gene: RUNX1 (RUNX family transcription factor 1; minus strand). Cytogenetic location: 21q22.12.
Variant type: single nucleotide variant.
Coding change: c.1167G>A on transcript NM_001754.5 (MANE Select); coding-DNA position 1167, G replaced by A.
Protein change: p.Ser389=; no amino-acid change (serine 389 retained).
Molecular consequence: synonymous variant.
Genome position (GRCh38, 1-based): chr21:34,792,411, C>T on the plus strand (G>A on the coding strand, the complement: RUNX1 is on the minus strand). VCF-style: chr21-34792411-C-T. GRCh37 (hg19) VCF-style: chr21-36164708-C-T.
Other names: NM_001754.5(RUNX1):c.1167G>A; p.Ser389=; c.1086G>A, p.Ser362= (NM_001001890.3).
Identifiers: ClinVar variation 2023814 (VCV002023814.5), dbSNP rs2145875926, ClinGen allele CA512341255.